The following is an entry in ClinVar:

NM_024513.4(FYCO1):c.3536del (p.Cys1179fs)

Gene: FYCO1 (FYVE and coiled-coil domain autophagy adaptor 1; minus strand). Cytogenetic location: 3p21.31.
Variant type: Deletion.
Coding change: c.3536del on transcript NM_024513.4 (MANE Select); coding-DNA position 3536, one base deleted (G; older notation c.3536delG).
Protein change: p.Cys1179fs; shifts the reading frame from cysteine 1179.
Molecular consequence: frameshift variant. On other transcripts: non-coding transcript variant (1).
Genome position (GRCh38, 1-based): chr3:45,959,444, C deleted on the plus strand (G on the coding strand, the reverse complement: FYCO1 is on the minus strand). VCF-style (leftmost placement, unchanged base first): chr3-45959443-GC-G. GRCh37 (hg19) VCF-style: chr3-46000935-GC-G.
Other names: c.3536del, p.Cys1179fs (NM_001386421.1, NM_001386422.1, NM_001386423.1 and 4 more transcripts); c.3416del, p.Cys1139fs (NM_001386426.1); c.3392del, p.Cys1131fs (NM_001386427.1); c.2936del, p.Cys979fs (NM_001386430.1); c.3536delG (NM_024513.4); short protein forms C1131fs, C1139fs, C1179fs, C979fs.
Identifiers: ClinVar variation 3256930 (VCV003256930.1).

ClinVar aggregate classification (germline): Likely pathogenic (1 of 4 stars; one submission).

Conditions:
Susceptibility to severe COVID-19.

Submission:

Molecular Medicine Center, Medical University of Sofia
Classification: Likely pathogenic for Susceptibility to severe COVID-19. Last evaluated: 2024-07-22. Review status: criteria provided, single submitter. Criteria: ACMG Guidelines, 2015. Collection method: research. Allele origin: germline. Affected: yes.
Comment: Novel (unreported in gnomAD or dbSNP until April 2024) variant found in severely infected COVID-19 Bulgarian patients in a research study. Variant is classified as likely pathogenic according to the ACMG criteria: PM2,PVS1.